The following is an entry in ClinVar:

ClinVar aggregate classification (germline): Likely benign (1 of 4 stars; one submission).

gnomAD v4.1: 445 of 1,613,210 alleles (0.028%); highest among the groups gnomAD compares: Non-Finnish European, 0.035%; no homozygotes.

Submission:

CeGaT Center for Human Genetics Tuebingen
Classification: Likely benign. Last evaluated: 2024-08-01. Review status: criteria provided, single submitter. Criteria: CeGaT Center For Human Genetics Tuebingen Variant Classification Criteria Version 2. Collection method: clinical testing. Allele origin: germline. Affected: yes. Observed: 1 variant allele.
Comment: NOS3: BS2

NM_000603.5(NOS3):c.1162C>T (p.Arg388Trp)

Gene: NOS3 (nitric oxide synthase 3; plus strand). Cytogenetic location: 7q36.1.
Variant type: single nucleotide variant.
Coding change: c.1162C>T on transcript NM_000603.5 (MANE Select); coding-DNA position 1162, C replaced by T.
Protein change: p.Arg388Trp; replaces arginine 388 with tryptophan.
Molecular consequence: missense variant.
Genome position (GRCh38, 1-based): chr7:151,000,528, C>T. VCF-style: chr7-151000528-C-T. GRCh37 (hg19) VCF-style: chr7-150697616-C-T.
Other names: c.1162C>T, p.Arg388Trp (NM_001160109.2, NM_001160110.1, NM_001160111.1); short protein forms R388W.
Identifiers: ClinVar variation 3341688 (VCV003341688.16).